The following is an entry in ClinVar:

NM_000143.4(FH):c.1408A>G (p.Lys470Glu)

Gene: FH (fumarate hydratase; minus strand). Cytogenetic location: 1q43.
Variant type: single nucleotide variant.
Coding change: c.1408A>G on transcript NM_000143.4 (MANE Select); coding-DNA position 1408, A replaced by G.
Protein change: p.Lys470Glu; replaces lysine 470 with glutamic acid.
Molecular consequence: missense variant.
Genome position (GRCh38, 1-based): chr1:241,497,953, T>C on the plus strand (A>G on the coding strand, the complement: FH is on the minus strand). VCF-style: chr1-241497953-T-C. GRCh37 (hg19) VCF-style: chr1-241661253-T-C.
Other names: short protein forms K470E.
Identifiers: ClinVar variation 460342 (VCV000460342.26), dbSNP rs922905323, ClinGen allele CA40371763.

ClinVar aggregate classification (germline): Conflicting classifications of pathogenicity. Review status: criteria provided, conflicting classifications (1 of 4 stars). 6 submissions from 6 submitters: Uncertain significance (4); Benign (1). 1 of the submissions does not count toward it. Last evaluated 2026-01-19.

Conditions:
Fumarase deficiency (FMRD). Also called: Fumarate Hydratase Deficiency; Fumaric aciduria. Identifiers: Orphanet 24, MedGen C0342770, MONDO:0011730, OMIM 606812.
Hereditary cancer-predisposing syndrome. Also called: Tumor predisposition; Hereditary neoplastic syndrome; Neoplastic Syndromes, Hereditary; Hereditary Cancer Syndrome. Identifiers: Orphanet 140162, MedGen C0027672, MeSH D009386, MONDO:0015356.
Hereditary leiomyomatosis and renal cell cancer. Also called: Familial leiomyomatosis; MULTIPLE CUTANEOUS AND UTERINE LEIOMYOMATA 1, WITH OR WITHOUT RENAL CELL CARCINOMA; Multiple cutaneous leiomyomas; Reed syndrome; Multiple cutaneous and uterine leiomyomatosis; Cutaneous leiomyomata with uterine leiomyomata. Identifiers: Orphanet 523, MedGen C1708350, MONDO:0007888, OMIM 150800, HP:0007437. Disease mechanism: loss of function.

Allele frequency attached by ClinVar (database versions not stated): gnomAD exomes below 0.00001; gnomAD 0.00001; TOPMed 0.00002.
gnomAD v4.1: 4 of 1,613,934 alleles (0.00025%); highest among the groups gnomAD compares: Non-Finnish European, 0.00034%; no homozygotes.

Submissions (6):

Labcorp Genetics (formerly Invitae), Labcorp
Classification: Uncertain significance. Last evaluated: 2026-01-19. Review status: criteria provided, single submitter. Criteria: Invitae Variant Classification Sherloc (09022015). Collection method: clinical testing. Allele origin: germline.
Comment: This sequence change replaces lysine, which is basic and polar, with glutamic acid, which is acidic and polar, at codon 470 of the FH protein (p.Lys470Glu). This variant is present in population databases (no rsID available, gnomAD 0.002%). This variant has not been reported in the literature in individuals affected with FH-related conditions. ClinVar contains an entry for this variant (Variation ID: 460342). Invitae Evidence Modeling of protein sequence and biophysical properties (such as structural, functional, and spatial information, amino acid conservation, physicochemical variation, residue mobility, and thermodynamic stability) indicates that this missense variant is not expected to disrupt FH protein function with a negative predictive value of 80%. In summary, the available evidence is currently insufficient to determine the role of this variant in disease. Therefore, it has been classified as a Variant of Uncertain Significance.

GeneDx
Classification: Uncertain significance. Last evaluated: 2025-05-05. Review status: criteria provided, single submitter. Criteria: GeneDx Variant Classification Process June 2021. Collection method: clinical testing. Allele origin: germline.
Comment: Not observed at significant frequency in large population cohorts (gnomAD); In silico analysis indicates that this missense variant does not alter protein structure/function; Has not been previously published as pathogenic or benign to our knowledge

Ambry Genetics
Classification: Benign for Hereditary cancer-predisposing syndrome. Last evaluated: 2024-08-01. Review status: criteria provided, single submitter. Criteria: Ambry Variant Classification Scheme 2023. Collection method: clinical testing. Allele origin: germline.

Baylor Genetics
Classification: Uncertain significance for Fumarase deficiency. Last evaluated: 2024-02-06. Review status: criteria provided, single submitter. Criteria: ACMG Guidelines, 2015. Collection method: clinical testing. Allele origin: unknown.

St. Jude Molecular Pathology, St. Jude Children's Research Hospital
Classification: Uncertain significance for Hereditary leiomyomatosis and renal cell cancer. Last evaluated: 2022-06-03. Review status: criteria provided, single submitter. Criteria: St. Jude Assertion Criteria 2020. Collection method: clinical testing. Allele origin: germline.
Comment: The FH c.1408A>G (p.Lys470Glu) missense change has a maximum subpopulation frequency of 0.0016% in gnomAD v2.1.1. The in silico tool REVEL predicts a benign effect on protein function, but to our knowledge this prediction has not been confirmed by functional studies. To our knowledge, this variant has not been reported in individuals with hereditary leiomyomatosis and renal cell cancer (HLRCC). In summary, the evidence currently available is insufficient to determine the role of this variant in HLRCC. It has therefore been classified as of uncertain significance.

Natera, Inc.
Classification: Uncertain significance for Fumarase Deficiency. Last evaluated: 2020-08-20. Review status: no assertion criteria provided. Collection method: clinical testing. Allele origin: germline. Not counted in ClinVar's aggregate classification.